The following is an entry in ClinVar:

NM_002137.4(HNRNPA2B1):c.1001del (p.Gly334fs)

Gene: HNRNPA2B1 (heterogeneous nuclear ribonucleoprotein A2/B1; minus strand). Cytogenetic location: 7p15.2.
Variant type: Deletion.
Coding change: c.1001del on transcript NM_002137.4 (MANE Select); coding-DNA position 1001, one base deleted (G; older notation c.1001delG).
Protein change: p.Gly334fs; shifts the reading frame from glycine 334.
Molecular consequence: frameshift variant.
Genome position (GRCh38, 1-based): chr7:26,192,541, C deleted on the plus strand (G on the coding strand, the reverse complement: HNRNPA2B1 is on the minus strand); the first of 5 consecutive C bases (chr7:26,192,541-26,192,545); deleting any one gives the same sequence. VCF-style (leftmost placement, unchanged base first): chr7-26192540-AC-A. GRCh37 (hg19) VCF-style: chr7-26232160-AC-A.
Other names: c.1033delG, p.Gly346Valfs (NM_031243.4); short protein forms G334fs, G346fs.
Identifiers: ClinVar variation 2431717 (VCV002431717.2), dbSNP rs2535701426, ClinGen allele CA658784089.

ClinVar aggregate classification (germline): Uncertain significance (1 of 4 stars; one submission).

Conditions:
Inclusion body myopathy with early-onset Paget disease with or without frontotemporal dementia 2 (IBMPFD2). Also called: MULTISYSTEM PROTEINOPATHY 2. Identifiers: MedGen C3809468, MONDO:0014178, OMIM 615422.

Submission:

Laboratorio de Genetica e Diagnostico Molecular, Hospital Israelita Albert Einstein
Classification: Uncertain significance for Inclusion body myopathy with early-onset Paget disease with or without frontotemporal dementia 2. Last evaluated: 2023-01-04. Review status: criteria provided, single submitter. Criteria: ACMG Guidelines, 2015. Collection method: clinical testing. Allele origin: germline. Affected: yes.
Comment: ACMG classification criteria: PS4 supporting, PM2 moderated